The following is an entry in ClinVar:

ClinVar aggregate classification (germline): Conflicting classifications of pathogenicity. Review status: criteria provided, conflicting classifications (1 of 4 stars). 2 submissions from 2 submitters: Uncertain significance (1); Likely benign (1). Last evaluated 2026-08-07.

Conditions:
Ehlers-Danlos syndrome, classic type, 1 (EDSCL1). Also called: EHLERS-DANLOS SYNDROME, GRAVIS TYPE; EHLERS-DANLOS SYNDROME, SEVERE CLASSIC TYPE; Ehlers-Danlos syndrome, type 1; EDS I; Ehlers-Danlos Syndrome, Classic Type, COL5A1-Related. Identifiers: MedGen C0268335, MONDO:0019567, OMIM 130000.

Allele frequency attached by ClinVar (database versions not stated): ExAC 0.00001; gnomAD exomes 0.00001.
gnomAD v4.1: 9 of 1,614,098 alleles (0.00056%); highest among the groups gnomAD compares: Non-Finnish European, 0.00076%; no homozygotes.

Submissions (2):

GeneDx
Classification: Uncertain significance. Last evaluated: 2026-08-07. Review status: criteria provided, single submitter. Criteria: GeneDx Variant Classification Process June 2021. Collection method: clinical testing. Allele origin: germline.
Comment: Not observed at significant frequency in large population cohorts (gnomAD); In silico analysis suggests that this missense variant does not alter protein structure/function; Not located in the triple helical region, where the majority of pathogenic missense variants occur (PMID: 22696272; HGMD); Has not been previously published as pathogenic or benign to our knowledge; This variant is associated with the following publications: (PMID: 22696272)

Labcorp Genetics (formerly Invitae), Labcorp
Classification: Likely benign for Ehlers-Danlos syndrome, classic type, 1. Last evaluated: 2026-02-01. Review status: criteria provided, single submitter. Criteria: Invitae Variant Classification Sherloc (09022015). Collection method: clinical testing. Allele origin: germline.

NM_000093.5(COL5A1):c.4849T>A (p.Ser1617Thr)

Genes: COL5A1 (collagen type V alpha 1 chain; plus strand), LOC101448202 (uncharacterized LOC101448202; minus strand). Cytogenetic location: 9q34.3.
Variant type: single nucleotide variant.
Coding change: c.4849T>A on transcript NM_000093.5 (MANE Select); coding-DNA position 4849, T replaced by A.
Protein change: p.Ser1617Thr; replaces serine 1617 with threonine.
Molecular consequence: missense variant.
Genome position (GRCh38, 1-based): chr9:134,824,750, T>A. VCF-style: chr9-134824750-T-A. GRCh37 (hg19) VCF-style: chr9-137716596-T-A.
Other names: c.4849T>A, p.Ser1617Thr (NM_001278074.1); c.4849T>A (NM_000093.3); short protein forms S1617T.
Identifiers: ClinVar variation 2082100 (VCV002082100.6), dbSNP rs771444479, ClinGen allele CA5320492.